The following is an entry in ClinVar:

NM_000051.4(ATM):c.134G>A (p.Arg45Gln)

Gene: ATM (ATM serine/threonine kinase; plus strand). Cytogenetic location: 11q22.3.
Variant type: single nucleotide variant.
Coding change: c.134G>A on transcript NM_000051.4 (MANE Select); coding-DNA position 134, G replaced by A.
Protein change: p.Arg45Gln; replaces arginine 45 with glutamine.
Molecular consequence: missense variant.
Genome position (GRCh38, 1-based): chr11:108,227,837, G>A. VCF-style: chr11-108227837-G-A. GRCh37 (hg19) VCF-style: chr11-108098564-G-A.
Other names: c.134G>A, p.Arg45Gln (NM_001351834.2, NM_001351835.2, NM_001351836.2); short protein forms R45Q.
Identifiers: ClinVar variation 188157 (VCV000188157.25), dbSNP rs762382111, ClinGen allele CA334193.

ClinVar aggregate classification (germline): Conflicting classifications of pathogenicity. Review status: criteria provided, conflicting classifications (1 of 4 stars). 8 submissions from 8 submitters: Uncertain significance (6); Likely benign (1). 1 of the submissions does not count toward it. Last evaluated 2026-01-21.

Conditions:
Hereditary cancer-predisposing syndrome. Also called: Tumor predisposition; Neoplastic Syndromes, Hereditary; Hereditary neoplastic syndrome; Hereditary Cancer Syndrome. Identifiers: Orphanet 140162, MedGen C0027672, MeSH D009386, MONDO:0015356.
Familial cancer of breast. Also called: BREAST CANCER, FAMILIAL; hereditary breast carcinoma; Hereditary breast cancer. Identifiers: Orphanet 227535, MedGen C0346153, MONDO:0016419, OMIM 114480. Disease mechanism: loss of function.
Ataxia-telangiectasia syndrome (AT). Also called: LOUIS-BAR SYNDROME; Ataxia-telangiectasia, complementation group D; AT, COMPLEMENTATION GROUP C; ATAXIA-TELANGIECTASIA, COMPLEMENTATION GROUP A; ATAXIA-TELANGIECTASIA, FRESNO VARIANT; Ataxia-telangiectasia. Identifiers: Orphanet 100, MedGen C0004135, MONDO:0008840, OMIM 208900.

Allele frequency attached by ClinVar (database versions not stated): ExAC 0.00001; gnomAD exomes 0.00001; TOPMed 0.00001.
gnomAD v4.1: 7 of 1,613,238 alleles (0.00043%); highest among the groups gnomAD compares: Admixed American, 0.0033%; no homozygotes.

Submissions (8):

Labcorp Genetics (formerly Invitae), Labcorp
Classification: Uncertain significance for Ataxia-telangiectasia syndrome. Last evaluated: 2026-01-21. Review status: criteria provided, single submitter. Criteria: Invitae Variant Classification Sherloc (09022015). Collection method: clinical testing. Allele origin: germline.
Comment: This sequence change replaces arginine, which is basic and polar, with glutamine, which is neutral and polar, at codon 45 of the ATM protein (p.Arg45Gln). This variant is present in population databases (rs762382111, gnomAD 0.006%). This missense change has been observed in individual(s) with breast cancer (PMID: 30287823). ClinVar contains an entry for this variant (Variation ID: 188157). Invitae Evidence Modeling of protein sequence and biophysical properties (such as structural, functional, and spatial information, amino acid conservation, physicochemical variation, residue mobility, and thermodynamic stability) indicates that this missense variant is not expected to disrupt ATM protein function with a negative predictive value of 95%. In summary, the available evidence is currently insufficient to determine the role of this variant in disease. Therefore, it has been classified as a Variant of Uncertain Significance.

Women's Health and Genetics/Laboratory Corporation of America, LabCorp
Classification: Uncertain significance. Last evaluated: 2025-07-29. Review status: criteria provided, single submitter. Criteria: LabCorp Variant Classification Summary - May 2015. Collection method: clinical testing. Allele origin: germline.
Comment: Variant summary: ATM c.134G>A (p.Arg45Gln) results in a conservative amino acid change in the encoded protein sequence. Algorithms developed to predict the effect of missense changes on protein structure and function all suggest that this variant is likely to be tolerated. The variant allele was found at a frequency of 8e-06 in 251116 control chromosomes. The available data on variant occurrences in the general population are insufficient to allow any conclusion about variant significance. cc.134G>A has been reported in the literature in individuals affected with Breast Cancer and biliary tract cancer (Momozawa_2018, Okawa_2023), without strong evidence for causality. These report(s) do not provide unequivocal conclusions about association of the variant with Breast Cancer.At least one publication reports experimental evidence evaluating an impact on protein function. These results showed no damaging effect of this variant (Takagi_2017). The following publications have been ascertained in the context of this evaluation (PMID: 30287823, 36243179, 29059438). ClinVar contains an entry for this variant (Variation ID: 188157). Based on the evidence outlined above, the variant was classified as uncertain significance.

Blueprint Genetics
Classification: Uncertain significance. Last evaluated: 2024-03-27. Review status: criteria provided, single submitter. Criteria: ACMG Guidelines, 2015. Collection method: clinical testing. Allele origin: germline.

Ambry Genetics
Classification: Likely benign for Hereditary cancer-predisposing syndrome. Last evaluated: 2024-03-04. Review status: criteria provided, single submitter. Criteria: Ambry Variant Classification Scheme 2023. Collection method: clinical testing. Allele origin: germline.

Baylor Genetics
Classification: Uncertain significance for Familial cancer of breast. Last evaluated: 2023-08-09. Review status: criteria provided, single submitter. Criteria: ACMG Guidelines, 2015. Collection method: clinical testing. Allele origin: unknown.

Color Diagnostics, LLC DBA Color Health
Classification: Uncertain significance for Hereditary cancer-predisposing syndrome. Last evaluated: 2021-08-31. Review status: criteria provided, single submitter. Criteria: ACMG Guidelines, 2015. Collection method: clinical testing. Allele origin: germline.
Comment: This missense variant replaces arginine with glutamine at codon 45 of the ATM protein. Computational prediction suggests that this variant may not impact protein structure and function (internally defined REVEL score threshold <= 0.5, PMID: 27666373). To our knowledge, functional studies have not been reported for this variant. This variant has been reported in individuals affected with breast cancer and in unaffected individuals (PMID: 30287823). This variant has been identified in 2/251116 chromosomes in the general population by the Genome Aggregation Database (gnomAD). The available evidence is insufficient to determine the role of this variant in disease conclusively. Therefore, this variant is classified as a Variant of Uncertain Significance.

GeneDx
Classification: Uncertain significance. Last evaluated: 2020-01-27. Review status: criteria provided, single submitter. Criteria: GeneDx Variant Classification Process June 2021. Collection method: clinical testing. Allele origin: germline. Affected: yes.
Comment: In silico analysis, which includes protein predictors and evolutionary conservation, supports that this variant does not alter protein structure/function; Observed in individuals diagnosed with breast cancer (Momozawa 2018); This variant is associated with the following publications: (PMID: 30287823)

Natera, Inc.
Classification: Uncertain significance for Ataxia-telangiectasia. Last evaluated: 2020-09-16. Review status: no assertion criteria provided. Collection method: clinical testing. Allele origin: germline. Not counted in ClinVar's aggregate classification.

Literature cited by the submitters: PubMed 30287823 (cited by 4 submitters); PubMed 29059438 (cited by Women's Health and Genetics/Laboratory Corporation of America, LabCorp); PubMed 36243179 (cited by Women's Health and Genetics/Laboratory Corporation of America, LabCorp).